The following is an entry in ClinVar:

NM_003482.4(KMT2D):c.3051G>A (p.Met1017Ile)

Gene: KMT2D (lysine methyltransferase 2D; minus strand). Cytogenetic location: 12q13.12.
Variant type: single nucleotide variant.
Coding change: c.3051G>A on transcript NM_003482.4 (MANE Select); coding-DNA position 3051, G replaced by A.
Protein change: p.Met1017Ile; replaces methionine 1017 with isoleucine.
Molecular consequence: missense variant.
Genome position (GRCh38, 1-based): chr12:49,050,537, C>T on the plus strand (G>A on the coding strand, the complement: KMT2D is on the minus strand). VCF-style: chr12-49050537-C-T. GRCh37 (hg19) VCF-style: chr12-49444320-C-T.
Other names: short protein forms M1017I.
Identifiers: ClinVar variation 2755644 (VCV002755644.3), dbSNP rs2120652242, ClinGen allele CA384659701.

ClinVar aggregate classification (germline): Uncertain significance (1 of 4 stars; one submission).

Conditions:
Kabuki syndrome. Also called: Kabuki make-up syndrome; NIIKAWA-KUROKI SYNDROME. Identifiers: Orphanet 2322, MedGen C0796004, MONDO:0016512.

Allele frequency attached by ClinVar (database versions not stated): gnomAD exomes below 0.00001.

Submission:

Labcorp Genetics (formerly Invitae), Labcorp
Classification: Uncertain significance for Kabuki syndrome. Last evaluated: 2025-10-06. Review status: criteria provided, single submitter. Criteria: Invitae Variant Classification Sherloc (09022015). Collection method: clinical testing. Allele origin: germline.
Comment: This sequence change replaces methionine, which is neutral and non-polar, with isoleucine, which is neutral and non-polar, at codon 1017 of the KMT2D protein (p.Met1017Ile). This variant is not present in population databases (gnomAD no frequency). This variant has not been reported in the literature in individuals affected with KMT2D-related conditions. ClinVar contains an entry for this variant (Variation ID: 2755644). Invitae Evidence Modeling of protein sequence and biophysical properties (such as structural, functional, and spatial information, amino acid conservation, physicochemical variation, residue mobility, and thermodynamic stability) indicates that this missense variant is not expected to disrupt KMT2D protein function with a negative predictive value of 95%. In summary, the available evidence is currently insufficient to determine the role of this variant in disease. Therefore, it has been classified as a Variant of Uncertain Significance.